The following is an entry in ClinVar:

NM_014795.4(ZEB2):c.1533C>T (p.Val511=)

Gene: ZEB2 (zinc finger E-box binding homeobox 2; minus strand). Cytogenetic location: 2q22.3.
Variant type: single nucleotide variant.
Coding change: c.1533C>T on transcript NM_014795.4 (MANE Select); coding-DNA position 1533, C replaced by T.
Protein change: p.Val511=; no amino-acid change (valine 511 retained).
Molecular consequence: synonymous variant.
Genome position (GRCh38, 1-based): chr2:144,399,654, G>A on the plus strand (C>T on the coding strand, the complement: ZEB2 is on the minus strand). VCF-style: chr2-144399654-G-A. GRCh37 (hg19) VCF-style: chr2-145157221-G-A.
Other names: p.V511V:GTC>GTT; c.1461C>T, p.Val487= (NM_001171653.2).
Identifiers: ClinVar variation 137945 (VCV000137945.11), dbSNP rs587780994, ClinGen allele CA291667.
Genomic context (GRCh38, chr2:144,399,654, plus strand): 5'-TTCCAACGTATAGTCAATAATACTTTTAGTGGCACCATTATGACTCACTACCGGAAGACC[G>A]ACAGGCGGAATATTAGGAGAAGTAACTCCTTGTTCCTCAGGTTGAGAGCATGGATCCTTC-3'
Protein context (NP_055610.1, residues 501-521): QGVTSPNIPP[Val511=]GLPVVSHNGA

ClinVar aggregate classification (germline): Benign/Likely benign. Review status: criteria provided, multiple submitters, no conflicts (2 of 4 stars). 3 submissions from 3 submitters: Benign (2); Likely benign (1). Last evaluated 2024-08-06.

Conditions:
Mowat-Wilson syndrome (MOWS). Also called: Classic Mowat-Wilson Syndrome. Identifiers: Orphanet 2152, MedGen C1856113, MONDO:0009341, OMIM 235730.

Allele frequency attached by ClinVar (database versions not stated): gnomAD 0.00003; gnomAD exomes 0.00004 and 0.00002; TOPMed 0.00002; ExAC 0.00003.
gnomAD v4.1: 28 of 1,614,080 alleles (0.0017%); highest among the groups gnomAD compares: East Asian, 0.018%; no homozygotes.

Submissions (3):

Labcorp Genetics (formerly Invitae), Labcorp
Classification: Likely benign for Mowat-Wilson syndrome. Last evaluated: 2024-08-06. Review status: criteria provided, single submitter. Criteria: Invitae Variant Classification Sherloc (09022015). Collection method: clinical testing. Allele origin: germline.

Genome-Nilou Lab
Classification: Benign for Mowat-Wilson syndrome. Last evaluated: 2021-11-07. Review status: criteria provided, single submitter. Criteria: ACMG Guidelines, 2015. Collection method: clinical testing. Allele origin: germline. Affected: no.

GeneDx
Classification: Benign. Last evaluated: 2014-04-03. Review status: criteria provided, single submitter. Criteria: GeneDx Variant Classification (06012015). Collection method: clinical testing. Allele origin: germline. Affected: yes.
Comment: This variant is considered likely benign or benign based on one or more of the following criteria: it is a conservative change, it occurs at a poorly conserved position in the protein, it is predicted to be benign by multiple in silico algorithms, and/or has population frequency not consistent with disease.